The following is an entry in ClinVar:

NM_002860.4(ALDH18A1):c.743G>A (p.Ser248Asn)

Gene: ALDH18A1 (aldehyde dehydrogenase 18 family member A1; minus strand). Cytogenetic location: 10q24.1.
Variant type: single nucleotide variant.
Coding change: c.743G>A on transcript NM_002860.4 (MANE Select); coding-DNA position 743, G replaced by A.
Protein change: p.Ser248Asn; replaces serine 248 with asparagine.
Molecular consequence: missense variant.
Genome position (GRCh38, 1-based): chr10:95,633,024, C>T on the plus strand (G>A on the coding strand, the complement: ALDH18A1 is on the minus strand). VCF-style: chr10-95633024-C-T. GRCh37 (hg19) VCF-style: chr10-97392781-C-T.
Other names: c.737G>A, p.Ser246Asn (NM_001017423.2, NM_001323415.2); c.410G>A, p.Ser137Asn (NM_001323412.2, NM_001323416.2); c.743G>A, p.Ser248Asn (NM_001323413.2, NM_001323414.2); c.638G>A, p.Ser213Asn (NM_001323417.2); c.404G>A, p.Ser135Asn (NM_001323418.2); c.107G>A, p.Ser36Asn (NM_001323419.2); short protein forms S135N, S137N, S213N, S246N, S248N, S36N.
Identifiers: ClinVar variation 1013572 (VCV001013572.42), dbSNP rs2097873418, ClinGen allele CA377705060.

ClinVar aggregate classification (germline): Uncertain significance. Review status: criteria provided, multiple submitters, no conflicts (2 of 4 stars). 3 submissions from 3 submitters: Uncertain significance (2). 1 of the submissions does not count toward it. Last evaluated 2022-07-14.

Conditions:
Autosomal dominant spastic paraplegia type 9. Identifiers: MedGen C1832669, MONDO:0015091.
de Barsy syndrome. Also called: Cutis laxa-corneal clouding-oligophrenia syndrome. Identifiers: Orphanet 2962, MedGen C0268354, MONDO:0017569.
Cutis laxa, autosomal dominant 3 (ADCL3). Identifiers: Orphanet 90348, MedGen C4225268, MONDO:0014706, OMIM 616603.
Autosomal recessive complex spastic paraplegia type 9B. Also called: Spastic paraplegia 9b, autosomal recessive. Identifiers: Orphanet 447760, MedGen C5568980, MONDO:0014702, OMIM 616586.

Submissions (3):

Labcorp Genetics (formerly Invitae), Labcorp
Classification: Uncertain significance for Autosomal dominant spastic paraplegia type 9; de Barsy syndrome; Cutis laxa, autosomal dominant 3. Last evaluated: 2022-07-14. Review status: criteria provided, single submitter. Criteria: Invitae Variant Classification Sherloc (09022015). Collection method: clinical testing. Allele origin: germline.
Comment: This variant is not present in population databases (gnomAD no frequency). This sequence change replaces serine, which is neutral and polar, with asparagine, which is neutral and polar, at codon 248 of the ALDH18A1 protein (p.Ser248Asn). In summary, the available evidence is currently insufficient to determine the role of this variant in disease. Therefore, it has been classified as a Variant of Uncertain Significance. Algorithms developed to predict the effect of missense changes on protein structure and function are either unavailable or do not agree on the potential impact of this missense change (SIFT: "Deleterious"; PolyPhen-2: "Probably Damaging"; Align-GVGD: "Class C0"). ClinVar contains an entry for this variant (Variation ID: 1013572). This variant has not been reported in the literature in individuals affected with ALDH18A1-related conditions.

CeGaT Center for Human Genetics Tuebingen
Classification: Uncertain significance. Last evaluated: 2020-07-01. Review status: criteria provided, single submitter. Criteria: CeGaT Center For Human Genetics Tuebingen Variant Classification Criteria Version 2. Collection method: clinical testing. Allele origin: germline. Affected: yes. Observed: 1 variant allele.

Solve-RD Consortium
Classification: Likely pathogenic for Autosomal recessive complex spastic paraplegia type 9B. Last evaluated: 2022-06-01. Review status: no assertion criteria provided. Collection method: provider interpretation. Allele origin: inherited. Affected: yes. Not counted in ClinVar's aggregate classification.
Comment: Variant confirmed as disease-causing by referring clinical team

Variant identified during reanalysis of unsolved cases by the Solve-RD project. The Solve-RD project has received funding from the European Union’s Horizon 2020 research and innovation programme under grant agreement No 779257.

Literature cited by the submitters: PubMed 39825153 (cited by Solve-RD Consortium).